The following is an entry in ClinVar:

ClinVar aggregate classification (germline): Conflicting classifications of pathogenicity. Review status: criteria provided, conflicting classifications (1 of 4 stars). 4 submissions from 4 submitters: Uncertain significance (1); Likely benign (3). Last evaluated 2026-01-15.

Conditions:
Shprintzen-Goldberg syndrome (SGS). Also called: SHPRINTZEN-GOLDBERG CRANIOSYNOSTOSIS SYNDROME; CRANIOSYNOSTOSIS WITH ARACHNODACTYLY AND ABDOMINAL HERNIAS; Marfanoid disorder with craniosynostosis type 1; Marfanoid craniosynostosis syndrome; Shprintzen-Goldberg marfanoid syndrome. Identifiers: Orphanet 2462, MedGen C1321551, MONDO:0008426, OMIM 182212.
SKI-related disorder. Also called: SKI-related condition.

Allele frequency attached by ClinVar (database versions not stated): gnomAD exomes 0.00001 and 0.00002; ExAC 0.00002; gnomAD 0.00003; TOPMed 0.00004; 1000 Genomes Project 30x 0.00016; 1000 Genomes Project 0.00020.

Submissions (4):

Labcorp Genetics (formerly Invitae), Labcorp
Classification: Likely benign for Shprintzen-Goldberg syndrome. Last evaluated: 2026-01-15. Review status: criteria provided, single submitter. Criteria: Invitae Variant Classification Sherloc (09022015). Collection method: clinical testing. Allele origin: germline.

PreventionGenetics, part of Exact Sciences
Classification: Likely benign for SKI-related condition. Last evaluated: 2025-08-16. Review status: criteria provided, single submitter. Criteria: ACMG Guidelines, 2015. Collection method: clinical testing. Allele origin: germline.
Comment: This variant is classified as likely benign based on ACMG/AMP sequence variant interpretation guidelines (Richards et al. 2015 PMID: 25741868, with internal and published modifications).

GeneDx
Classification: Likely benign. Last evaluated: 2018-03-14. Review status: criteria provided, single submitter. Criteria: GeneDx Variant Classification (06012015). Collection method: clinical testing. Allele origin: germline. Affected: yes.
Comment: This variant is considered likely benign or benign based on one or more of the following criteria: it is a conservative change, it occurs at a poorly conserved position in the protein, it is predicted to be benign by multiple in silico algorithms, and/or has population frequency not consistent with disease.

Eurofins Ntd Llc (ga)
Classification: Uncertain significance. Last evaluated: 2016-08-26. Review status: criteria provided, single submitter. Criteria: EGL Classification Definitions 2015. Collection method: clinical testing. Allele origin: germline. Observed: 1 variant allele, 1 heterozygote.

NM_003036.4(SKI):c.970-7A>G

Gene: SKI (SKI proto-oncogene; plus strand). Cytogenetic location: 1p36.32.
Variant type: single nucleotide variant.
Coding change: c.970-7A>G on transcript NM_003036.4 (MANE Select); 7 bases into the intron before coding-DNA position 970, A replaced by G.
Molecular consequence: intron variant.
Genome position (GRCh38, 1-based): chr1:2,302,971, A>G. VCF-style: chr1-2302971-A-G. GRCh37 (hg19) VCF-style: chr1-2234410-A-G.
Identifiers: ClinVar variation 289941 (VCV000289941.14), dbSNP rs199634070, ClinGen allele CA536514.